The following is an entry in ClinVar:

NM_020312.4(COQ9):c.262G>T (p.Glu88Ter)

Gene: COQ9 (coenzyme Q9; plus strand). Cytogenetic location: 16q21.
Variant type: single nucleotide variant.
Coding change: c.262G>T on transcript NM_020312.4 (MANE Select); coding-DNA position 262, G replaced by T.
Protein change: p.Glu88Ter; replaces glutamic acid 88 with a stop codon.
Molecular consequence: nonsense.
Genome position (GRCh38, 1-based): chr16:57,452,820, G>T. VCF-style: chr16-57452820-G-T. GRCh37 (hg19) VCF-style: chr16-57486732-G-T.
Other names: c.262G>T (NM_020312.3); short protein forms E88*.
Identifiers: ClinVar variation 3382518 (VCV003382518.4).
Genomic context (GRCh38, chr16:57,452,820, plus strand): 5'-CCAGGAGATGAAGTATGCTGGGCTGTGTCCTCTTGTCTCAGGTATACAGACCAGGGCGGC[G>T]AGGAGGAGGAGGACTATGAAAGTGAGGAGCAGTTGCAGCACCGCATCCTGACGGCAGCCC-3'

ClinVar aggregate classification (germline): Pathogenic/Likely pathogenic. Review status: criteria provided, multiple submitters, no conflicts (2 of 4 stars). 2 submissions from 2 submitters: Pathogenic (1); Likely pathogenic (1). Last evaluated 2025-01-13.

Conditions:
COQ9-related disorder. Also called: COQ9-related condition.
Encephalopathy-hypertrophic cardiomyopathy-renal tubular disease syndrome. Identifiers: Orphanet 319678, MedGen C3553374, MONDO:0013840, OMIM 614654.

Submissions (2):

PreventionGenetics, part of Exact Sciences
Classification: Likely pathogenic for COQ9-related condition. Last evaluated: 2025-01-13. Review status: criteria provided, single submitter. Criteria: ACMG Guidelines, 2015. Collection method: clinical testing. Allele origin: germline.
Comment: The COQ9 c.262G>T variant is predicted to result in premature protein termination (p.Glu88*). To our knowledge, this variant has not been reported in the literature or in a large population database (gnomAD), indicating this variant is rare. Nonsense variants in COQ9 are expected to be pathogenic. This variant is interpreted as likely pathogenic.

Juno Genomics, Hangzhou Juno Genomics, Inc
Classification: Pathogenic for Encephalopathy-hypertrophic cardiomyopathy-renal tubular disease syndrome. Review status: criteria provided, single submitter. Criteria: ACMG Guidelines, 2015. Collection method: clinical testing. Allele origin: germline. Affected: yes.
Comment: Absent from controls (or at extremely low frequency if recessive) in Genome Aggregation Database, Exome Sequencing Project, 1000 Genomes Project, or Exome Aggregation Consortium.;Null variant in a gene where loss of function (LOF) is a known mechanism of disease.;Co-segregation with disease in multiple affected family members in a gene definitively known to cause the disease.